The following is an entry in ClinVar:

ClinVar aggregate classification (germline): Uncertain significance (1 of 4 stars; one submission).

Conditions:
Diffuse cerebral and cerebellar atrophy - intractable seizures - progressive microcephaly syndrome. Also called: Microcephaly, progressive, with seizures and cerebral and cerebellar atrophy. Identifiers: Orphanet 404437, MedGen C4014239, MONDO:0014335, OMIM 615760.

Allele frequency attached by ClinVar (database versions not stated): gnomAD exomes below 0.00001; ExAC 0.00001; gnomAD 0.00001; TOPMed 0.00002.
gnomAD v4.1: 2 of 1,613,808 alleles (0.00012%); highest among the groups gnomAD compares: African/African-American, 0.0027%; no homozygotes.

Submission:

Labcorp Genetics (formerly Invitae), Labcorp
Classification: Uncertain significance for Diffuse cerebral and cerebellar atrophy - intractable seizures - progressive microcephaly syndrome. Last evaluated: 2021-08-30. Review status: criteria provided, single submitter. Criteria: Invitae Variant Classification Sherloc (09022015). Collection method: clinical testing. Allele origin: germline.
Comment: This sequence change replaces aspartic acid with asparagine at codon 771 of the QARS protein (p.Asp771Asn). The aspartic acid residue is highly conserved and there is a small physicochemical difference between aspartic acid and asparagine. This variant is present in population databases (rs754648501, ExAC 0.01%). This variant has not been reported in the literature in individuals affected with QARS-related conditions. Algorithms developed to predict the effect of missense changes on protein structure and function are either unavailable or do not agree on the potential impact of this missense change (SIFT: "Tolerated"; PolyPhen-2: "Probably Damaging"; Align-GVGD: "Class C0"). In summary, the available evidence is currently insufficient to determine the role of this variant in disease. Therefore, it has been classified as a Variant of Uncertain Significance.

NM_005051.3(QARS1):c.2311G>A (p.Asp771Asn)

Gene: QARS1 (glutaminyl-tRNA synthetase 1; minus strand). Cytogenetic location: 3p21.31.
Variant type: single nucleotide variant.
Coding change: c.2311G>A on transcript NM_005051.3 (MANE Select); coding-DNA position 2311, G replaced by A.
Protein change: p.Asp771Asn; replaces aspartic acid 771 with asparagine.
Molecular consequence: missense variant. On other transcripts: non-coding transcript variant (1).
Genome position (GRCh38, 1-based): chr3:49,096,046, C>T on the plus strand (G>A on the coding strand, the complement: QARS1 is on the minus strand). VCF-style: chr3-49096046-C-T. GRCh37 (hg19) VCF-style: chr3-49133479-C-T.
Other names: c.2278G>A, p.Asp760Asn (NM_001272073.2); short protein forms D771N, D760N.
Identifiers: ClinVar variation 572730 (VCV000572730.5), dbSNP rs754648501, ClinGen allele CA2391442.